The following is an entry in ClinVar:

NM_012203.2(GRHPR):c.214+1G>T

Gene: GRHPR (glyoxylate and hydroxypyruvate reductase; plus strand). Cytogenetic location: 9p13.2.
Variant type: single nucleotide variant.
Coding change: c.214+1G>T on transcript NM_012203.2 (MANE Select); the canonical splice donor site of the intron after coding-DNA position 214, G replaced by T.
Molecular consequence: splice donor variant.
Genome position (GRCh38, 1-based): chr9:37,424,976, G>T. VCF-style: chr9-37424976-G-T. GRCh37 (hg19) VCF-style: chr9-37424973-G-T.
Identifiers: ClinVar variation 551339 (VCV000551339.8), dbSNP rs1244822375, ClinGen allele CA373441760.

ClinVar aggregate classification (germline): Likely pathogenic. Review status: criteria provided, multiple submitters, no conflicts (2 of 4 stars). 3 submissions from 3 submitters: Likely pathogenic (2). 1 of the submissions does not count toward it. Last evaluated 2026-08-21.

Conditions:
Primary hyperoxaluria, type II (HP2). Also called: Primary hyperoxaluria type 2; D-GLYCERATE DEHYDROGENASE DEFICIENCY; GLYCERIC ACIDURIA; GLYOXYLATE REDUCTASE/HYDROXYPYRUVATE REDUCTASE DEFICIENCY; OXALOSIS II. Identifiers: Orphanet 416, Orphanet 93599, MedGen C0268165, MONDO:0009824, OMIM 260000. Disease mechanism: loss of function.

Allele frequency attached by ClinVar (database versions not stated): gnomAD exomes below 0.00001; TOPMed below 0.00001; gnomAD 0.00001.
gnomAD v4.1: 3 of 1,611,980 alleles (0.00019%); highest among the groups gnomAD compares: East Asian, 0.0022%; no homozygotes.

Submissions (3):

Myriad Genetics, Inc.
Classification: Likely pathogenic for Primary hyperoxaluria, type II. Last evaluated: 2026-08-21. Review status: criteria provided, single submitter. Criteria: Myriad Autosomal Dominant, Autosomal Recessive and X-Linked Classification Criteria (2023). Collection method: clinical testing. Allele origin: unknown.
Comment: NM_012203.1(GRHPR):c.214+1G>T is a variant in a canonical splice site classified as likely pathogenic in the context of primary hyperoxaluria type 2. c.214+1G>T has not been observed in cases with relevant disease. Relevant functional assessments of this variant are not available in the literature. c.214+1G>T has been observed in referenced population frequency databases. In summary, NM_012203.1(GRHPR):c.214+1G>T is a variant in a canonical splice site in a gene where loss of function is a known mechanism of disease and is predicted to disrupt protein function. Please note: this variant was assessed in the context of healthy population screening.

Labcorp Genetics (formerly Invitae), Labcorp
Classification: Likely pathogenic. Last evaluated: 2022-06-17. Review status: criteria provided, single submitter. Criteria: Invitae Variant Classification Sherloc (09022015). Collection method: clinical testing. Allele origin: germline.
Comment: In summary, the currently available evidence indicates that the variant is pathogenic, but additional data are needed to prove that conclusively. Therefore, this variant has been classified as Likely Pathogenic. Algorithms developed to predict the effect of sequence changes on RNA splicing suggest that this variant may disrupt the consensus splice site. ClinVar contains an entry for this variant (Variation ID: 551339). This variant has not been reported in the literature in individuals affected with GRHPR-related conditions. The frequency data for this variant in the population databases is considered unreliable, as metrics indicate poor data quality at this position in the gnomAD database. This sequence change affects a donor splice site in intron 2 of the GRHPR gene. It is expected to disrupt RNA splicing. Variants that disrupt the donor or acceptor splice site typically lead to a loss of protein function (PMID: 16199547), and loss-of-function variants in GRHPR are known to be pathogenic (PMID: 25644115).

Counsyl
Classification: Likely pathogenic for Primary hyperoxaluria, type II. Last evaluated: 2017-03-31. Review status: no assertion criteria provided. Collection method: clinical testing. Allele origin: unknown. Not counted in ClinVar's aggregate classification.

Literature cited by the submitters: PubMed 16199547 (cited by Labcorp Genetics (formerly Invitae), Labcorp); PubMed 25644115 (cited by Labcorp Genetics (formerly Invitae), Labcorp).